The following is an entry in ClinVar:

ClinVar aggregate classification (germline): Uncertain significance (1 of 4 stars; one submission).

Allele frequency attached by ClinVar (database versions not stated): gnomAD exomes below 0.00001.
gnomAD v4.1: 2 of 1,613,802 alleles (0.00012%); highest among the groups gnomAD compares: East Asian, 0.0022%; no homozygotes.

Submission:

Labcorp Genetics (formerly Invitae), Labcorp
Classification: Uncertain significance. Last evaluated: 2021-02-27. Review status: criteria provided, single submitter. Criteria: Invitae Variant Classification Sherloc (09022015). Collection method: clinical testing. Allele origin: germline.
Comment: In summary, the available evidence is currently insufficient to determine the role of this variant in disease. Therefore, it has been classified as a Variant of Uncertain Significance. Algorithms developed to predict the effect of missense changes on protein structure and function (SIFT, PolyPhen-2, Align-GVGD) all suggest that this variant is likely to be tolerated, but these predictions have not been confirmed by published functional studies and their clinical significance is uncertain. This sequence change replaces proline with serine at codon 43 of the MMP2 protein (p.Pro43Ser). The proline residue is moderately conserved and there is a moderate physicochemical difference between proline and serine. This variant is not present in population databases (ExAC no frequency). This variant has not been reported in the literature in individuals with MMP2-related conditions.

NM_004530.6(MMP2):c.127C>T (p.Pro43Ser)

Gene: MMP2 (matrix metallopeptidase 2; plus strand). Cytogenetic location: 16q12.2.
Variant type: single nucleotide variant.
Coding change: c.127C>T on transcript NM_004530.6 (MANE Select); coding-DNA position 127, C replaced by T.
Protein change: p.Pro43Ser; replaces proline 43 with serine.
Molecular consequence: missense variant. On other transcripts: intron variant (1).
Genome position (GRCh38, 1-based): chr16:55,479,606, C>T. VCF-style: chr16-55479606-C-T. GRCh37 (hg19) VCF-style: chr16-55513518-C-T.
Other names: c.-76+641C>T (NM_001302508.1); short protein forms P43S.
Identifiers: ClinVar variation 1509324 (VCV001509324.8), dbSNP rs1352361846, ClinGen allele CA395930649.
Genomic context (GRCh38, chr16:55,479,606, plus strand): 5'-CTGCTGAGCCACGCCGCCGCCGCGCCGTCGCCCATCATCAAGTTCCCCGGCGATGTCGCC[C>T]CCAAAACGGACAAAGAGTTGGCAGTGGTGAGTTGCTGCGCTGGCCTCAAGGAACCACGTT-3'
Protein context (NP_004521.1, residues 33-53): PIIKFPGDVA[Pro43Ser]KTDKELAVQY